The following is an entry in ClinVar:

NM_000243.3(MEFV):c.597dup (p.Glu200fs)

Gene: MEFV (MEFV innate immunity regulator, pyrin; minus strand). Cytogenetic location: 16p13.3.
Variant type: Duplication.
Coding change: c.597dup on transcript NM_000243.3 (MANE Select); coding-DNA position 597, one base duplicated (C; older notation c.597dupC).
Protein change: p.Glu200fs; shifts the reading frame from glutamic acid 200.
Molecular consequence: frameshift variant. On other transcripts: intron variant (1).
Genome position (GRCh38, 1-based): chr16:3,254,471, G duplicated on the plus strand (C on the coding strand, the reverse complement: MEFV is on the minus strand); the first of 2 consecutive G bases (chr16:3,254,471-3,254,472); duplicating either gives the same sequence. VCF-style (leftmost placement, unchanged base first): chr16-3254470-C-CG. GRCh37 (hg19) VCF-style: chr16-3304470-C-CG.
Other names: c.277+1839dup (NM_001198536.2); short protein forms E200fs.
Identifiers: ClinVar variation 1042646 (VCV001042646.6), dbSNP rs1567237352, ClinGen allele CA919641881.

ClinVar aggregate classification (germline): Uncertain significance (1 of 4 stars; one submission).

Conditions:
Familial Mediterranean fever (FMF). Also called: POLYSEROSITIS, FAMILIAL PAROXYSMAL; POLYSEROSITIS, RECURRENT; Periodic peritonitis; Benign paroxysmal peritonitis. Identifiers: Orphanet 342, MedGen C0031069, MONDO:0018088, OMIM 249100. Disease mechanism: gain of function.

Submission:

Labcorp Genetics (formerly Invitae), Labcorp
Classification: Uncertain significance for Familial Mediterranean fever. Last evaluated: 2020-03-26. Review status: criteria provided, single submitter. Criteria: Invitae Variant Classification Sherloc (09022015). Collection method: clinical testing. Allele origin: germline.
Comment: This sequence change creates a premature translational stop signal (p.Glu200Argfs*42) in the MEFV gene. It is expected to result in an absent or disrupted protein product. This variant is not present in population databases (ExAC no frequency). This variant has not been reported in the literature in individuals with MEFV-related conditions. The current clinical and genetic evidence is not sufficient to establish whether loss-of-function variants in MEFV cause disease. In summary, the available evidence is currently insufficient to determine the role of this variant in disease. Therefore, it has been classified as a Variant of Uncertain Significance.